The following is an entry in ClinVar:

ClinVar aggregate classification (germline): Uncertain significance (1 of 4 stars; one submission).

Conditions:
Mitochondrial complex III deficiency nuclear type 2. Identifiers: MedGen C3554605, MONDO:0014063, OMIM 615157.

Allele frequency attached by ClinVar (database versions not stated): TOPMed below 0.00001; gnomAD 0.00001 and 0.00002.
gnomAD v4.1: 10 of 1,571,900 alleles (0.00064%); highest among the groups gnomAD compares: Non-Finnish European, 0.00086%; no homozygotes.

Submission:

Baylor Genetics
Classification: Uncertain significance for Mitochondrial complex III deficiency nuclear type 2. Last evaluated: 2018-02-21. Review status: criteria provided, single submitter. Criteria: ACMG Guidelines, 2015. Collection method: clinical testing. Allele origin: unknown. Affected: yes.
Comment: This variant was determined to be of uncertain significance according to ACMG Guidelines, 2015 [PMID:25741868].

NM_017775.4(TTC19):c.200C>T (p.Ser67Leu)

Genes: TTC19 (tetratricopeptide repeat domain 19; plus strand), LOC130060311 (ATAC-STARR-seq lymphoblastoid silent region 8214; plus strand). Cytogenetic location: 17p12.
Variant type: single nucleotide variant.
Coding change: c.200C>T on transcript NM_017775.4 (MANE Select); coding-DNA position 200, C replaced by T.
Protein change: p.Ser67Leu; replaces serine 67 with leucine.
Molecular consequence: missense variant. On other transcripts: 5 prime UTR variant (1).
Genome position (GRCh38, 1-based): chr17:16,000,133, C>T. VCF-style: chr17-16000133-C-T. GRCh37 (hg19) VCF-style: chr17-15903447-C-T.
Other names: c.-259C>T (NM_001271420.2); short protein forms S67L.
Identifiers: ClinVar variation 1032000 (VCV001032000.1), dbSNP rs1198487870, ClinGen allele CA398382894.